The following is an entry in ClinVar:

ClinVar aggregate classification (germline): Uncertain significance. Review status: criteria provided, multiple submitters, no conflicts (2 of 4 stars). 5 submissions from 5 submitters: Uncertain significance (5). Last evaluated 2025-12-23.

Conditions:
Cardiovascular phenotype. Identifiers: MedGen CN230736.
Cardiomyopathy (CMYO). Also called: Cardiomyopathies. Identifiers: Orphanet 167848, MedGen C0878544, MONDO:0004994, HP:0001638. Inheritance: Various modes of inheritance.
Arrhythmogenic right ventricular dysplasia 9 (ARVD9). Also called: Arrhythmogenic Right Ventricular Dysplasia/Cardiomyopathy 9; ARRHYTHMOGENIC RIGHT VENTRICULAR DYSPLASIA, FAMILIAL, 9. Identifiers: MedGen C1836906, MONDO:0012180, OMIM 609040.

Allele frequency attached by ClinVar (database versions not stated): gnomAD exomes below 0.00001; ExAC 0.00001.
gnomAD v4.1: 3 of 1,614,120 alleles (0.00019%); highest among the groups gnomAD compares: Non-Finnish European, 0.00025%; no homozygotes.

Submissions (5):

Labcorp Genetics (formerly Invitae), Labcorp
Classification: Uncertain significance for Arrhythmogenic right ventricular dysplasia 9. Last evaluated: 2025-12-23. Review status: criteria provided, single submitter. Criteria: Invitae Variant Classification Sherloc (09022015). Collection method: clinical testing. Allele origin: germline.
Comment: This sequence change replaces tyrosine, which is neutral and polar, with asparagine, which is neutral and polar, at codon 626 of the PKP2 protein (p.Tyr626Asn). This variant is present in population databases (rs794729112, gnomAD 0.0009%). This variant has not been reported in the literature in individuals affected with PKP2-related conditions. ClinVar contains an entry for this variant (Variation ID: 202000). An algorithm developed to predict the effect of missense changes on protein structure and function (PolyPhen-2) suggests that this variant is likely to be disruptive. In summary, the available evidence is currently insufficient to determine the role of this variant in disease. Therefore, it has been classified as a Variant of Uncertain Significance.

Ambry Genetics
Classification: Uncertain significance for Cardiovascular phenotype. Last evaluated: 2025-07-24. Review status: criteria provided, single submitter. Criteria: Ambry Variant Classification Scheme 2023. Collection method: clinical testing. Allele origin: germline.
Comment: The p.Y626N variant (also known as c.1876T>A), located in coding exon 9 of the PKP2 gene, results from a T to A substitution at nucleotide position 1876. The tyrosine at codon 626 is replaced by asparagine, an amino acid with dissimilar properties. This amino acid position is well conserved in available vertebrate species. In addition, the in silico prediction for this alteration is inconclusive. Since supporting evidence is limited at this time, the clinical significance of this alteration remains unclear.

Color Diagnostics, LLC DBA Color Health
Classification: Uncertain significance for Cardiomyopathy. Last evaluated: 2023-11-15. Review status: criteria provided, single submitter. Criteria: ACMG Guidelines, 2015. Collection method: clinical testing. Allele origin: germline.
Comment: This missense variant replaces tyrosine with asparagine at codon 626 of the PKP2 protein. Computational prediction suggests that this variant may not impact protein structure and function. To our knowledge, functional studies have not been reported for this variant. This variant has not been reported in individuals affected with PKP2-related disorders in the literature. This variant has been identified in 1/251282 chromosomes in the general population by the Genome Aggregation Database (gnomAD). The available evidence is insufficient to determine the role of this variant in disease conclusively. Therefore, this variant is classified as a Variant of Uncertain Significance.

Fulgent Genetics
Classification: Uncertain significance for Arrhythmogenic right ventricular dysplasia 9. Last evaluated: 2021-11-16. Review status: criteria provided, single submitter. Criteria: ACMG Guidelines, 2015. Collection method: clinical testing. Allele origin: unknown.

GeneDx
Classification: Uncertain significance. Last evaluated: 2018-04-10. Review status: criteria provided, single submitter. Criteria: GeneDx Variant Classification (06012015). Collection method: clinical testing. Allele origin: germline. Affected: yes.
Comment: The Y626N variant of uncertain significance in the PKP2 gene has not been published as pathogenic or benign to our knowledge. The Y626N variant is a semi-conservative amino acid substitution, which may impact secondary protein structure as these residues differ in some properties. In-silico analyses, including protein predictors and evolutionary conservation, support a deleterious effect. In addition, Y626N is not observed at a significant frequency in large population cohorts (Lek et al., 2016). Moreover, Y626N has been identified independently and/or in conjunction with additional cardiogenetic variants in other individuals referred for genetic testing at GeneDx; however, segregation data is absent for these individuals due to the lack of clinical information provided and insufficient participation by informative family members.

NM_001005242.3(PKP2):c.1744T>A (p.Tyr582Asn)

Gene: PKP2 (plakophilin 2; minus strand). Cytogenetic location: 12p11.21.
Variant type: single nucleotide variant.
Coding change: c.1744T>A on transcript NM_001005242.3 (MANE Select); coding-DNA position 1744, T replaced by A.
Protein change: p.Tyr582Asn; replaces tyrosine 582 with asparagine.
Molecular consequence: missense variant.
Genome position (GRCh38, 1-based): chr12:32,822,562, A>T on the plus strand (T>A on the coding strand, the complement: PKP2 is on the minus strand). VCF-style: chr12-32822562-A-T. GRCh37 (hg19) VCF-style: chr12-32975496-A-T.
Other names: p.Y626N:TAT>AAT; c.1876T>A, p.Tyr626Asn (NM_004572.4); short protein forms Y626N, Y582N.
Identifiers: ClinVar variation 202000 (VCV000202000.13), dbSNP rs794729112, ClinGen allele CA011539.